The following is an entry in ClinVar:

NM_001876.4(CPT1A):c.1600C>G (p.Leu534Val)

Gene: CPT1A (carnitine palmitoyltransferase 1A; minus strand). Cytogenetic location: 11q13.3.
Variant type: single nucleotide variant.
Coding change: c.1600C>G on transcript NM_001876.4 (MANE Select); coding-DNA position 1600, C replaced by G.
Protein change: p.Leu534Val; replaces leucine 534 with valine.
Molecular consequence: missense variant.
Genome position (GRCh38, 1-based): chr11:68,773,405, G>C on the plus strand (C>G on the coding strand, the complement: CPT1A is on the minus strand). VCF-style: chr11-68773405-G-C. GRCh37 (hg19) VCF-style: chr11-68540873-G-C.
Other names: c.1600C>G, p.Leu534Val (NM_001031847.3); short protein forms L534V.
Identifiers: ClinVar variation 1990788 (VCV001990788.4), dbSNP rs1209384121, ClinGen allele CA381629148.

ClinVar aggregate classification (germline): Uncertain significance (1 of 4 stars; one submission).

Conditions:
Carnitine palmitoyl transferase 1A deficiency. Also called: Carnitine palmitoyltransferase type I deficiency; Carnitine palmitoyltransferase 1A deficiency; CPT deficiency, hepatic, type IA; CPT I DEFICIENCY; CPT DEFICIENCY, HEPATIC, TYPE I. Identifiers: Orphanet 156, MedGen C1829703, MONDO:0009705, OMIM 255120.

Allele frequency attached by ClinVar (database versions not stated): gnomAD exomes below 0.00001; TOPMed below 0.00001; gnomAD 0.00001.
gnomAD v4.1: 6 of 1,613,974 alleles (0.00037%); highest among the groups gnomAD compares: Non-Finnish European, 0.00051%; no homozygotes.

Submission:

Labcorp Genetics (formerly Invitae), Labcorp
Classification: Uncertain significance for Carnitine palmitoyl transferase 1A deficiency. Last evaluated: 2025-06-12. Review status: criteria provided, single submitter. Criteria: Invitae Variant Classification Sherloc (09022015). Collection method: clinical testing. Allele origin: germline.
Comment: This sequence change replaces leucine, which is neutral and non-polar, with valine, which is neutral and non-polar, at codon 534 of the CPT1A protein (p.Leu534Val). This variant is not present in population databases (gnomAD no frequency). This variant has not been reported in the literature in individuals affected with CPT1A-related conditions. ClinVar contains an entry for this variant (Variation ID: 1990788). Invitae Evidence Modeling of protein sequence and biophysical properties (such as structural, functional, and spatial information, amino acid conservation, physicochemical variation, residue mobility, and thermodynamic stability) indicates that this missense variant is not expected to disrupt CPT1A protein function with a negative predictive value of 80%. In summary, the available evidence is currently insufficient to determine the role of this variant in disease. Therefore, it has been classified as a Variant of Uncertain Significance.